The following is an entry in ClinVar:

ClinVar aggregate classification (germline): Uncertain significance (1 of 4 stars; one submission).

Conditions:
Cardiovascular phenotype. Identifiers: MedGen CN230736.

gnomAD v4.1: 1 of 1,551,868 alleles (0.000064%); highest among the groups gnomAD compares: Non-Finnish European, 0.000087%; no homozygotes.

Submission:

Ambry Genetics
Classification: Uncertain significance for Cardiovascular phenotype. Last evaluated: 2026-07-24. Review status: criteria provided, single submitter. Criteria: Ambry Variant Classification Scheme 2023. Collection method: clinical testing. Allele origin: germline.
Comment: The p.P132S variant (also known as c.394C>T), located in coding exon 2 of the RBM20 gene, results from a C to T substitution at nucleotide position 394. The proline at codon 132 is replaced by serine, an amino acid with similar properties. This amino acid position is conserved. In addition, this alteration is predicted to be deleterious by in silico analysis. Based on the available evidence, the clinical significance of this variant remains unclear.

NM_001134363.3(RBM20):c.394C>T (p.Pro132Ser)

Gene: RBM20 (RNA binding motif protein 20; plus strand). Cytogenetic location: 10q25.2.
Variant type: single nucleotide variant.
Coding change: c.394C>T on transcript NM_001134363.3 (MANE Select); coding-DNA position 394, C replaced by T.
Protein change: p.Pro132Ser; replaces proline 132 with serine.
Molecular consequence: missense variant.
Genome position (GRCh38, 1-based): chr10:110,781,003, C>T. VCF-style: chr10-110781003-C-T. GRCh37 (hg19) VCF-style: chr10-112540761-C-T.
Other names: short protein forms P132S.
Identifiers: ClinVar variation 5028020 (VCV005028020.1).